The following is an entry in ClinVar:

ClinVar aggregate classification (germline): Pathogenic (1 of 4 stars; one submission).

Submission:

Labcorp Genetics (formerly Invitae), Labcorp
Classification: Pathogenic. Last evaluated: 2023-07-28. Review status: criteria provided, single submitter. Criteria: Invitae Variant Classification Sherloc (09022015). Collection method: clinical testing. Allele origin: germline.
Comment: For these reasons, this variant has been classified as Pathogenic. This variant disrupts the C-terminus of the RP1 protein. Many variants that disrupt this region have been reported in individuals with either autosomal dominant or autosomal recessive retinitis pigmentosa (PMID: 11527933, 19933189, 29425069, 30027431, 33681214). Therefore, variants that disrupt this region are expected to be disease-causing. This variant has not been reported in the literature in individuals affected with RP1-related conditions. This variant is not present in population databases (gnomAD no frequency). This sequence change creates a premature translational stop signal (p.Leu1693*) in the RP1 gene. While this is not anticipated to result in nonsense mediated decay, it is expected to disrupt the last 464 amino acid(s) of the RP1 protein.

Literature cited by the submitters: PubMed 11527933; PubMed 19933189; PubMed 29425069; PubMed 30027431; PubMed 33681214.

NM_006269.2(RP1):c.5078T>A (p.Leu1693Ter)

Genes: RP1 (RP1 axonemal microtubule associated; plus strand), LOC126860392 (CDK7 strongly-dependent group 2 enhancer GRCh37_chr8:55541319-55542518; plus strand). Cytogenetic location: 8q12.1.
Variant type: single nucleotide variant.
Coding change: c.5078T>A on transcript NM_006269.2 (MANE Select); coding-DNA position 5078, T replaced by A.
Protein change: p.Leu1693Ter; replaces leucine 1693 with a stop codon.
Molecular consequence: nonsense. On other transcripts: intron variant (1).
Genome position (GRCh38, 1-based): chr8:54,628,960, T>A. VCF-style: chr8-54628960-T-A. GRCh37 (hg19) VCF-style: chr8-55541520-T-A.
Other names: c.787+6672T>A (NM_001375654.1); short protein forms L1693*.
Identifiers: ClinVar variation 2747956 (VCV002747956.3), dbSNP rs2536587419, ClinGen allele CA370984798.
Genomic context (GRCh38, chr8:54,628,960, plus strand): 5'-ATGATTCTGAAGGGCAGTCATTTGGCTCTTCTGAACAGGTATCTAGTAGTTCATCTATGT[T>A]GCAGGAATTCCAGGAGGAAAGACAAGATAAGTGTGATGTTAGTGCTGTGAGGGACAATTA-3'